The following is an entry in ClinVar:

ClinVar aggregate classification (germline): Uncertain significance (1 of 4 stars; one submission).

Submission:

Labcorp Genetics (formerly Invitae), Labcorp
Classification: Uncertain significance. Last evaluated: 2022-02-27. Review status: criteria provided, single submitter. Criteria: Invitae Variant Classification Sherloc (09022015). Collection method: clinical testing. Allele origin: germline.
Comment: In summary, the available evidence is currently insufficient to determine the role of this variant in disease. Therefore, it has been classified as a Variant of Uncertain Significance. Variants that disrupt the consensus splice site are a relatively common cause of aberrant splicing (PMID: 17576681, 9536098). Algorithms developed to predict the effect of sequence changes on RNA splicing suggest that this variant is not likely to affect RNA splicing. This variant has not been reported in the literature in individuals affected with AP3B2-related conditions. This variant is not present in population databases (gnomAD no frequency). This sequence change falls in intron 24 of the AP3B2 gene. It does not directly change the encoded amino acid sequence of the AP3B2 protein. It affects a nucleotide within the consensus splice site.

Literature cited by the submitters: PubMed 17576681; PubMed 9536098.

NM_001278512.2(AP3B2):c.3016+4_3016+5dup

Genes: AP3B2 (adaptor related protein complex 3 subunit beta 2; minus strand), CPEB1-AS1 (CPEB1 antisense RNA 1; plus strand). Cytogenetic location: 15q25.2.
Variant type: Duplication.
Coding change: c.3016+4_3016+5dup on transcript NM_001278512.2 (MANE Select); bases 4 to 5 of the intron after coding-DNA position 3016, 2 bases duplicated (AG; older notation c.3016+4_3016+5dupAG).
Molecular consequence: intron variant.
Genome position (GRCh38, 1-based): chr15:82,661,820-82,661,821, CT duplicated on the plus strand (AG on the coding strand, the reverse complement: AP3B2 is on the minus strand); duplicating any 2 consecutive bases within chr15:82,661,820-82,661,822 gives the same sequence; the c. name uses the placement nearest the transcript's 3' end. VCF-style (leftmost placement, unchanged base first): chr15-82661819-A-ACT. GRCh37 (hg19) VCF-style: chr15-83330571-A-ACT.
Other names: c.2863+4_2863+5dup (NM_001278511.2); c.2959+4_2959+5dup (NM_004644.5); c.148+4_148+5dup (NM_001348441.2).
Identifiers: ClinVar variation 2104115 (VCV002104115.4), dbSNP rs2548693870, ClinGen allele CA2580090087.